The following is an entry in ClinVar:

NM_000038.6(APC):c.3643A>C (p.Ser1215Arg)

Gene: APC (APC regulator of Wnt signaling pathway; plus strand). Cytogenetic location: 5q22.2.
Variant type: single nucleotide variant.
Coding change: c.3643A>C on transcript NM_000038.6 (MANE Select); coding-DNA position 3643, A replaced by C.
Protein change: p.Ser1215Arg; replaces serine 1215 with arginine.
Molecular consequence: missense variant.
Genome position (GRCh38, 1-based): chr5:112,839,237, A>C. VCF-style: chr5-112839237-A-C. GRCh37 (hg19) VCF-style: chr5-112174934-A-C.
Other names: c.3643A>C, p.Ser1215Arg (NM_001127510.3, NM_001354895.2); c.3589A>C, p.Ser1197Arg (NM_001127511.3); c.3697A>C, p.Ser1233Arg (NM_001354896.2); c.3673A>C, p.Ser1225Arg (NM_001354897.2); c.3568A>C, p.Ser1190Arg (NM_001354898.2); c.3559A>C, p.Ser1187Arg (NM_001354899.2); c.3520A>C, p.Ser1174Arg (NM_001354900.2); c.3466A>C, p.Ser1156Arg (NM_001354901.2); and 5 more; short protein forms S1156R, S1174R, S1215R, S1233R, S1089R, S1187R, S1124R, S1190R.
Identifiers: ClinVar variation 1369229 (VCV001369229.6), dbSNP rs2149896195, ClinGen allele CA16029332.

ClinVar aggregate classification (germline): Uncertain significance (1 of 4 stars; one submission).

Conditions:
Familial adenomatous polyposis 1 (FAP1). Also called: FAMILIAL ADENOMATOUS POLYPOSIS 1, ATTENUATED; POLYPOSIS, ADENOMATOUS INTESTINAL. Identifiers: MedGen C2713442, MONDO:0021056, OMIM 175100. Disease mechanism: loss of function.

Submission:

Labcorp Genetics (formerly Invitae), Labcorp
Classification: Uncertain significance for Familial adenomatous polyposis 1. Last evaluated: 2021-10-11. Review status: criteria provided, single submitter. Criteria: Invitae Variant Classification Sherloc (09022015). Collection method: clinical testing. Allele origin: germline.
Comment: This sequence change replaces serine with arginine at codon 1215 of the APC protein (p.Ser1215Arg). The serine residue is highly conserved and there is a moderate physicochemical difference between serine and arginine. In summary, the available evidence is currently insufficient to determine the role of this variant in disease. Therefore, it has been classified as a Variant of Uncertain Significance. Algorithms developed to predict the effect of missense changes on protein structure and function are either unavailable or do not agree on the potential impact of this missense change (SIFT: "Deleterious"; PolyPhen-2: "Benign"; Align-GVGD: "Class C0"). This missense change has been observed in individual(s) with familial adenomatous polyposis (FAP) (PMID: 19029688). This variant is not present in population databases (ExAC no frequency).

Literature cited by the submitters: PubMed 19029688.